The following is an entry in ClinVar:

ClinVar aggregate classification (germline): Uncertain significance (1 of 4 stars; one submission).

gnomAD v4.1: 20 of 1,614,120 alleles (0.0012%); highest among the groups gnomAD compares: Non-Finnish European, 0.0016%; no homozygotes.

Submission:

Labcorp Genetics (formerly Invitae), Labcorp
Classification: Uncertain significance. Last evaluated: 2024-11-13. Review status: criteria provided, single submitter. Criteria: Invitae Variant Classification Sherloc (09022015). Collection method: clinical testing. Allele origin: germline.
Comment: This sequence change replaces arginine, which is basic and polar, with glutamine, which is neutral and polar, at codon 2687 of the TRRAP protein (p.Arg2687Gln). This variant is present in population databases (no rsID available, gnomAD 0.0009%). This variant has not been reported in the literature in individuals affected with TRRAP-related conditions. Invitae Evidence Modeling of protein sequence and biophysical properties (such as structural, functional, and spatial information, amino acid conservation, physicochemical variation, residue mobility, and thermodynamic stability) indicates that this missense variant is not expected to disrupt TRRAP protein function with a negative predictive value of 80%. In summary, the available evidence is currently insufficient to determine the role of this variant in disease. Therefore, it has been classified as a Variant of Uncertain Significance.

NM_001375524.1(TRRAP):c.8135G>A (p.Arg2712Gln)

Gene: TRRAP (transformation/transcription domain associated protein; plus strand). Cytogenetic location: 7q22.1.
Variant type: single nucleotide variant.
Coding change: c.8135G>A on transcript NM_001375524.1 (MANE Select); coding-DNA position 8135, G replaced by A.
Protein change: p.Arg2712Gln; replaces arginine 2712 with glutamine.
Molecular consequence: missense variant.
Genome position (GRCh38, 1-based): chr7:98,976,658, G>A. VCF-style: chr7-98976658-G-A. GRCh37 (hg19) VCF-style: chr7-98574281-G-A.
Other names: c.8114G>A, p.Arg2705Gln (NM_001244580.2); c.8060G>A, p.Arg2687Gln (NM_003496.4); short protein forms R2705Q, R2687Q, R2712Q.
Identifiers: ClinVar variation 3699347 (VCV003699347.2).